The following is an entry in ClinVar:

NM_000038.6(APC):c.5252A>C (p.Gln1751Pro)

Gene: APC (APC regulator of Wnt signaling pathway; plus strand). Cytogenetic location: 5q22.2.
Variant type: single nucleotide variant.
Coding change: c.5252A>C on transcript NM_000038.6 (MANE Select); coding-DNA position 5252, A replaced by C.
Protein change: p.Gln1751Pro; replaces glutamine 1751 with proline.
Molecular consequence: missense variant.
Genome position (GRCh38, 1-based): chr5:112,840,846, A>C. VCF-style: chr5-112840846-A-C. GRCh37 (hg19) VCF-style: chr5-112176543-A-C.
Other names: c.5306A>C, p.Gln1769Pro (NM_001354896.2); c.5282A>C, p.Gln1761Pro (NM_001354897.2); c.5177A>C, p.Gln1726Pro (NM_001354898.2); c.5168A>C, p.Gln1723Pro (NM_001354899.2); c.5252A>C, p.Gln1751Pro (NM_001127510.3, NM_001354895.2); c.5198A>C, p.Gln1733Pro (NM_001127511.3); c.5129A>C, p.Gln1710Pro (NM_001354900.2); c.5075A>C, p.Gln1692Pro (NM_001354901.2); and 5 more; short protein forms Q1468P, Q1660P, Q1692P, Q1751P, Q1591P, Q1625P, Q1650P, Q1723P.
Identifiers: ClinVar variation 1038256 (VCV001038256.10), dbSNP rs1765897206, ClinGen allele CA16032816.
Genomic context (GRCh38, chr5:112,840,846, plus strand): 5'-CTATGCCCAAAGGGAAAAGTCACAAGCCTTTCCGTGTGAAAAAGATAATGGACCAGGTCC[A>C]GCAAGCATCTGCGTCTTCTTCTGCACCCAACAAAAATCAGTTAGATGGTAAGAAAAAGAA-3'
Protein context (NP_000029.2, residues 1741-1761): FRVKKIMDQV[Gln1751Pro]QASASSSAPN

ClinVar aggregate classification (germline): Uncertain significance (1 of 4 stars; one submission).

Conditions:
Familial adenomatous polyposis 1 (FAP1). Also called: FAMILIAL ADENOMATOUS POLYPOSIS 1, ATTENUATED; POLYPOSIS, ADENOMATOUS INTESTINAL. Identifiers: MedGen C2713442, MONDO:0021056, OMIM 175100. Disease mechanism: loss of function.

Submission:

Labcorp Genetics (formerly Invitae), Labcorp
Classification: Uncertain significance for Familial adenomatous polyposis 1. Last evaluated: 2025-07-03. Review status: criteria provided, single submitter. Criteria: Invitae Variant Classification Sherloc (09022015). Collection method: clinical testing. Allele origin: germline.
Comment: This sequence change replaces glutamine, which is neutral and polar, with proline, which is neutral and non-polar, at codon 1751 of the APC protein (p.Gln1751Pro). This variant is not present in population databases (gnomAD no frequency). This variant has not been reported in the literature in individuals affected with APC-related conditions. ClinVar contains an entry for this variant (Variation ID: 1038256). Invitae Evidence Modeling of protein sequence and biophysical properties (such as structural, functional, and spatial information, amino acid conservation, physicochemical variation, residue mobility, and thermodynamic stability) indicates that this missense variant is not expected to disrupt APC protein function with a negative predictive value of 95%. In summary, the available evidence is currently insufficient to determine the role of this variant in disease. Therefore, it has been classified as a Variant of Uncertain Significance.